The following is an entry in ClinVar:

ClinVar aggregate classification (germline): Uncertain significance (1 of 4 stars; one submission).

Conditions:
Combined immunodeficiency due to DOCK8 deficiency (HIES2). Also called: HIES autosomal recessive; DOCK8 Deficiency; HYPER-IgE SYNDROME 2, AUTOSOMAL RECESSIVE, WITH RECURRENT INFECTIONS; Hyper-IgE recurrent infection syndrome, autosomal recessive; HYPER-IgE RECURRENT INFECTION SYNDROME 2, AUTOSOMAL RECESSIVE. Identifiers: Orphanet 217390, MedGen C4722305, MONDO:0009478, OMIM 243700.

Submission:

Labcorp Genetics (formerly Invitae), Labcorp
Classification: Uncertain significance for Combined immunodeficiency due to DOCK8 deficiency. Last evaluated: 2025-03-15. Review status: criteria provided, single submitter. Criteria: Invitae Variant Classification Sherloc (09022015). Collection method: clinical testing. Allele origin: germline.
Comment: This sequence change replaces leucine, which is neutral and non-polar, with valine, which is neutral and non-polar, at codon 1973 of the DOCK8 protein (p.Leu1973Val). This variant is not present in population databases (gnomAD no frequency). This variant has not been reported in the literature in individuals affected with DOCK8-related conditions. Invitae Evidence Modeling of protein sequence and biophysical properties (such as structural, functional, and spatial information, amino acid conservation, physicochemical variation, residue mobility, and thermodynamic stability) indicates that this missense variant is expected to disrupt DOCK8 protein function with a positive predictive value of 80%. In summary, the available evidence is currently insufficient to determine the role of this variant in disease. Therefore, it has been classified as a Variant of Uncertain Significance.

NM_203447.4(DOCK8):c.5917C>G (p.Leu1973Val)

Gene: DOCK8 (dedicator of cytokinesis 8; plus strand). Cytogenetic location: 9p24.3.
Variant type: single nucleotide variant.
Coding change: c.5917C>G on transcript NM_203447.4 (MANE Select); coding-DNA position 5917, C replaced by G.
Protein change: p.Leu1973Val; replaces leucine 1973 with valine.
Molecular consequence: missense variant.
Genome position (GRCh38, 1-based): chr9:449,883, C>G. VCF-style: chr9-449883-C-G. GRCh37 (hg19) VCF-style: chr9-449883-C-G.
Other names: c.5617C>G, p.Leu1873Val (NM_001190458.2); c.5713C>G, p.Leu1905Val (NM_001193536.2); short protein forms L1905V, L1873V, L1973V.
Identifiers: ClinVar variation 4746474 (VCV004746474.1).